The following is an entry in ClinVar:

ClinVar aggregate classification (germline): Uncertain significance (1 of 4 stars; one submission).

Submission:

CeGaT Center for Human Genetics Tuebingen
Classification: Uncertain significance. Last evaluated: 2022-06-01. Review status: criteria provided, single submitter. Criteria: CeGaT Center For Human Genetics Tuebingen Variant Classification Criteria Version 2. Collection method: clinical testing. Allele origin: germline. Affected: yes. Observed: 1 variant allele.
Comment: PDHB: PM2, PP3

NM_000925.4(PDHB):c.139C>G (p.Leu47Val)

Gene: PDHB (pyruvate dehydrogenase E1 subunit beta; minus strand). Cytogenetic location: 3p14.3.
Variant type: single nucleotide variant.
Coding change: c.139C>G on transcript NM_000925.4 (MANE Select); coding-DNA position 139, C replaced by G.
Protein change: p.Leu47Val; replaces leucine 47 with valine.
Molecular consequence: missense variant. On other transcripts: non-coding transcript variant (1).
Genome position (GRCh38, 1-based): chr3:58,431,942, G>C on the plus strand (C>G on the coding strand, the complement: PDHB is on the minus strand). VCF-style: chr3-58431942-G-C. GRCh37 (hg19) VCF-style: chr3-58417669-G-C.
Other names: c.139C>G, p.Leu47Val (NM_001173468.2); c.85C>G, p.Leu29Val (NM_001315536.2); short protein forms L29V, L47V.
Identifiers: ClinVar variation 2653921 (VCV002653921.24), dbSNP rs2471370411, ClinGen allele CA353364220.